The following is an entry in ClinVar:

NM_000038.6(APC):c.4037del (p.Glu1345_Ser1346insTer)

Gene: APC (APC regulator of Wnt signaling pathway; plus strand). Cytogenetic location: 5q22.2.
Variant type: Deletion.
Coding change: c.4037del on transcript NM_000038.6 (MANE Select); coding-DNA position 4037, one base deleted (C; older notation c.4037delC).
Protein change: p.Glu1345_Ser1346insTer.
Molecular consequence: nonsense. On other transcripts: non-coding transcript variant (2).
Genome position (GRCh38, 1-based): chr5:112,839,631, C deleted. VCF-style (leftmost placement, unchanged base first): chr5-112839630-TC-T. GRCh37 (hg19) VCF-style: chr5-112175327-TC-T.
Other names: c.4037del, p.Glu1345_Ser1346insTer (NM_001127510.3, NM_001354895.2, NM_001407450.1); c.3983del, p.Glu1327_Ser1328insTer (NM_001127511.3); c.4091del, p.Glu1363_Ser1364insTer (NM_001354896.2, NM_001407447.1, NM_001407448.1 and 1 more transcripts); c.4067del, p.Glu1355_Ser1356insTer (NM_001354897.2); c.3962del, p.Glu1320_Ser1321insTer (NM_001354898.2); c.3953del, p.Glu1317_Ser1318insTer (NM_001354899.2); c.3914del, p.Glu1304_Ser1305insTer (NM_001354900.2); c.3860del, p.Glu1286_Ser1287insTer (NM_001354901.2, NM_001407453.1); and 11 more.
Identifiers: ClinVar variation 2586990 (VCV002586990.2), dbSNP rs2533543622, ClinGen allele CA2582341548.

ClinVar aggregate classification (germline): Pathogenic (1 of 4 stars; one submission).

Conditions:
Hereditary cancer-predisposing syndrome. Also called: Hereditary neoplastic syndrome; Tumor predisposition; Hereditary Cancer Syndrome; Neoplastic Syndromes, Hereditary. Identifiers: Orphanet 140162, MedGen C0027672, MeSH D009386, MONDO:0015356.

Submission:

Ambry Genetics
Classification: Pathogenic for Hereditary cancer-predisposing syndrome. Last evaluated: 2023-07-06. Review status: criteria provided, single submitter. Criteria: Ambry Variant Classification Scheme 2023. Collection method: clinical testing. Allele origin: germline.
Comment: The c.4037delC pathogenic mutation, located in coding exon 15 of the APC gene, results from a deletion of one nucleotide at nucleotide position 4037, causing a translational frameshift with a predicted alternate stop codon (p.S1346*). This alteration has been observed in at least one individual with a personal and/or family history that is consistent with APC-related disease (Ambry internal data). This variant is considered to be rare based on population cohorts in the Genome Aggregation Database (gnomAD). This alteration is expected to result in loss of function by premature protein truncation or nonsense-mediated mRNA decay. As such, this alteration is interpreted as a disease-causing mutation.